The following is an entry in ClinVar:

NM_006516.4(SLC2A1):c.867+90A>G

Gene: SLC2A1 (solute carrier family 2 member 1; minus strand). Cytogenetic location: 1p34.2.
Variant type: single nucleotide variant.
Coding change: c.867+90A>G on transcript NM_006516.4 (MANE Select); 90 bases into the intron after coding-DNA position 867, A replaced by G.
Molecular consequence: intron variant.
Genome position (GRCh38, 1-based): chr1:42,929,503, T>C on the plus strand (A>G on the coding strand, the complement: SLC2A1 is on the minus strand). VCF-style: chr1-42929503-T-C. GRCh37 (hg19) VCF-style: chr1-43395174-T-C.
Identifiers: ClinVar variation 4854978 (VCV004854978.1).

ClinVar aggregate classification (germline): Uncertain significance (1 of 4 stars; one submission).

Conditions:
SLC2A1-related disorder. Also called: SLC2A1-related condition; SLC2A1-related disorders.

Submission:

3billion
Classification: Uncertain significance for SLC2A1-related disorder. Last evaluated: 2025-11-20. Review status: criteria provided, single submitter. Criteria: ACMG Guidelines, 2015. Collection method: clinical testing. Allele origin: germline. Affected: yes.
Comment: The variant is not observed in the gnomAD v4.1.0 dataset. Predicted Consequence/Location: Intron variant In silico tools predict the variant to alter splicing and produce an abnormal transcript [SpliceAI: 0.31 (>=0.2, moderate evidence for spliceogenicity)]. Therefore, this variant is classified as VUS according to the recommendation of ACMG/AMP guideline.